The following is an entry in ClinVar:

ClinVar aggregate classification (germline): Pathogenic (1 of 4 stars; one submission).

Conditions:
Polycystic kidney disease 4 (PKD4). Also called: POLYCYSTIC KIDNEY DISEASE 4 WITH OR WITHOUT POLYCYSTIC LIVER DISEASE; Autosomal Recessive Polycystic Kidney Disease – PKHD1; POLYCYSTIC KIDNEY AND HEPATIC DISEASE 1; POLYCYSTIC KIDNEY DISEASE, INFANTILE, TYPE I; PKD3. Identifiers: MedGen C4540575, MONDO:0033004, OMIM 263200.

Submission:

Juno Genomics, Hangzhou Juno Genomics, Inc
Classification: Pathogenic for Polycystic kidney disease 4. Review status: criteria provided, single submitter. Criteria: ACMG Guidelines, 2015. Collection method: clinical testing. Allele origin: germline. Affected: yes.
Comment: Absent from controls (or at extremely low frequency if recessive) in Genome Aggregation Database, Exome Sequencing Project, 1000 Genomes Project, or Exome Aggregation Consortium.;Null variant in a gene where loss of function (LOF) is a known mechanism of disease.;Patient's phenotype or family history is highly specific for a disease with a single genetic etiology.

NM_138694.4(PKHD1):c.11351G>A (p.Trp3784Ter)

Gene: PKHD1 (PKHD1 ciliary IPT domain containing fibrocystin/polyductin; minus strand). Cytogenetic location: 6p12.3.
Variant type: single nucleotide variant.
Coding change: c.11351G>A on transcript NM_138694.4 (MANE Select); coding-DNA position 11351, G replaced by A.
Protein change: p.Trp3784Ter; replaces tryptophan 3784 with a stop codon.
Molecular consequence: nonsense.
Genome position (GRCh38, 1-based): chr6:51,648,078, C>T on the plus strand (G>A on the coding strand, the complement: PKHD1 is on the minus strand). VCF-style: chr6-51648078-C-T. GRCh37 (hg19) VCF-style: chr6-51512876-C-T.
Other names: short protein forms W3784*.
Identifiers: ClinVar variation 3899368 (VCV003899368.2).